The following is an entry in ClinVar:

ClinVar aggregate classification (germline): Likely pathogenic (1 of 4 stars; one submission).

Conditions:
Hepatoencephalopathy due to combined oxidative phosphorylation defect type 1. Also called: HEPATOENCEPHALOPATHY, EARLY FATAL PROGRESSIVE. Identifiers: Orphanet 137681, MedGen C1836797, MONDO:0012191, OMIM 609060.

Submission:

Natera, Inc.
Classification: Likely pathogenic for Combined oxidative phosphorylation deficiency 1. Last evaluated: 2025-03-30. Review status: criteria provided, single submitter. Criteria: Natera Variant Classification Schema (03/2026). Collection method: clinical testing. Allele origin: germline.
Comment: The c.1727C>G variant in GFM1 is a nonsense variant predicted to introduce a stop codon at amino acid 576. This variant is expected to result in nonsense mediated decay, truncation, or a dysfunctional protein product. This variant is rare in the general population with a frequency below the threshold expected for the associated phenotype(s). Given the available evidence, this variant is classified as Likely Pathogenic.

NM_024996.7(GFM1):c.1727C>G (p.Ser576Ter)

Gene: GFM1 (G elongation factor mitochondrial 1; plus strand). Cytogenetic location: 3q25.32.
Variant type: single nucleotide variant.
Coding change: c.1727C>G on transcript NM_024996.7 (MANE Select); coding-DNA position 1727, C replaced by G.
Protein change: p.Ser576Ter; replaces serine 576 with a stop codon.
Molecular consequence: nonsense. On other transcripts: non-coding transcript variant (4).
Genome position (GRCh38, 1-based): chr3:158,682,120, C>G. VCF-style: chr3-158682120-C-G. GRCh37 (hg19) VCF-style: chr3-158399909-C-G.
Other names: c.1784C>G, p.Ser595Ter (NM_001308164.2); c.1727C>G, p.Ser576Ter (NM_001308166.2); c.1646C>G, p.Ser549Ter (NM_001374355.1); c.1610C>G, p.Ser537Ter (NM_001374356.1); c.1502C>G, p.Ser501Ter (NM_001374357.1); c.1268C>G, p.Ser423Ter (NM_001374358.1); c.1160C>G, p.Ser387Ter (NM_001374359.1, NM_001374360.1); c.1043C>G, p.Ser348Ter (NM_001374361.1); short protein forms S348*, S387*, S423*, S501*, S537*, S549*, S576*, S595*.
Identifiers: ClinVar variation 4068580 (VCV004068580.2).